The following is an entry in ClinVar:

ClinVar aggregate classification (germline): Likely benign (1 of 4 stars; one submission).

Conditions:
Leigh syndrome (NULS). Also called: Leigh's necrotizing encephalopathy; Leigh's disease; Leigh's syndrome; LEIGH SYNDROME, NUCLEAR; Leigh Syndrome (mtDNA deletion); Leigh Disease. Identifiers: Orphanet 506, MedGen C2931891, MONDO:0009723, OMIM 256000.

Submission:

Wong Mito Lab, Molecular and Human Genetics, Baylor College of Medicine
Classification: Likely benign for Leigh syndrome. Last evaluated: 2019-10-17. Review status: criteria provided, single submitter. Criteria: Modified ACMG Guidelines (Unpublished). Collection method: clinical testing. Allele origin: germline.
Comment: The NC_012920.1:m.15521G>A (YP_003024038.1:p.Ala259Thr) variant in MTCYB gene is interpretated to be a Likely Benign variant based on the modified ACMG guidelines (unpublished). This variant meets the following evidence codes: BS1, BP6

NC_012920.1(MT-CYB):m.15521G>A

Gene: MT-CYB (mitochondrially encoded cytochrome b; plus strand).
Variant type: single nucleotide variant.
Genome position: chrM-15521-G-A.
Identifiers: ClinVar variation 693898 (VCV000693898.1), dbSNP rs1603225327, ClinGen allele CA913174095.